The following is an entry in ClinVar:

ClinVar aggregate classification (germline): Pathogenic. Review status: criteria provided, single submitter (1 of 4 stars). 2 submissions from 2 submitters: Pathogenic (1). 1 of the submissions does not count toward it. Last evaluated 2021-10-07.

Conditions:
Fanconi anemia complementation group A (FANCA). Also called: FANCA-Related Fanconi Anemia; Fanconi anemia, group A. Identifiers: Orphanet 84, MedGen C3469521, MONDO:0009215, OMIM 227650.
Fanconi anemia (FA). Also called: Fanconi's anemia. Identifiers: Orphanet 84, MedGen C0015625, MeSH D005199, MONDO:0019391.

Submissions (2):

Labcorp Genetics (formerly Invitae), Labcorp
Classification: Pathogenic for Fanconi anemia. Last evaluated: 2021-10-07. Review status: criteria provided, single submitter. Criteria: Invitae Variant Classification Sherloc (09022015). Collection method: clinical testing. Allele origin: germline.
Comment: For these reasons, this variant has been classified as Pathogenic. Algorithms developed to predict the effect of sequence changes on RNA splicing suggest that this variant may disrupt the consensus splice site. ClinVar contains an entry for this variant (Variation ID: 555860). Disruption of this splice site has been observed in individual(s) with Fanconi anemia (external communication). In at least one individual the data is consistent with the variant being in trans (on the opposite chromosome) from a pathogenic variant. This variant is not present in population databases (ExAC no frequency). This sequence change affects an acceptor splice site in intron 39 of the FANCA gene. It is expected to disrupt RNA splicing. Variants that disrupt the donor or acceptor splice site typically lead to a loss of protein function (PMID: 16199547), and loss-of-function variants in FANCA are known to be pathogenic (PMID: 19367192).

Counsyl
Classification: Likely pathogenic for Fanconi anemia complementation group A. Last evaluated: 2017-12-29. Review status: no assertion criteria provided. Collection method: clinical testing. Allele origin: unknown. Not counted in ClinVar's aggregate classification.

Literature cited by the submitters: PubMed 16199547 (cited by Labcorp Genetics (formerly Invitae), Labcorp); PubMed 19367192 (cited by Labcorp Genetics (formerly Invitae), Labcorp).

NM_000135.4(FANCA):c.3935-1G>T

Genes: FANCA (FA complementation group A; minus strand), ZNF276 (zinc finger protein 276; plus strand). Cytogenetic location: 16q24.3.
Variant type: single nucleotide variant.
Coding change: c.3935-1G>T on transcript NM_000135.4 (MANE Select); the canonical splice acceptor site of the intron before coding-DNA position 3935, G replaced by T.
Molecular consequence: splice acceptor variant. On other transcripts: 3 prime UTR variant (2), non-coding transcript variant (4).
Genome position (GRCh38, 1-based): chr16:89,739,554, C>A on the plus strand (G>T on the coding strand, the complement: FANCA is on the minus strand). VCF-style: chr16-89739554-C-A. GRCh37 (hg19) VCF-style: chr16-89805962-C-A.
Other names: c.*1308C>A (NM_001113525.2, NM_152287.4); c.3935-1G>T (NM_001286167.3).
Identifiers: ClinVar variation 555860 (VCV000555860.9), dbSNP rs1555533693, ClinGen allele CA397484878.